The following is an entry in ClinVar:

ClinVar aggregate classification (germline): Uncertain significance. Review status: criteria provided, multiple submitters, no conflicts (2 of 4 stars). 2 submissions from 2 submitters: Uncertain significance (2). Last evaluated 2023-09-26.

Conditions:
Inborn genetic diseases. Identifiers: MedGen C0950123, MeSH D030342.

Allele frequency attached by ClinVar (database versions not stated): gnomAD 0.00001; gnomAD exomes 0.00001.
gnomAD v4.1: 10 of 1,613,918 alleles (0.00062%); highest among the groups gnomAD compares: Non-Finnish European, 0.00068%; no homozygotes.

Submissions (2):

Ambry Genetics
Classification: Uncertain significance for Inborn genetic diseases. Last evaluated: 2023-09-26. Review status: criteria provided, single submitter. Criteria: Ambry Variant Classification Scheme 2023. Collection method: clinical testing. Allele origin: germline.

Labcorp Genetics (formerly Invitae), Labcorp
Classification: Uncertain significance. Last evaluated: 2021-08-27. Review status: criteria provided, single submitter. Criteria: Invitae Variant Classification Sherloc (09022015). Collection method: clinical testing. Allele origin: germline.
Comment: This sequence change replaces glycine with aspartic acid at codon 953 of the LRP2 protein (p.Gly953Asp). The glycine residue is highly conserved and there is a moderate physicochemical difference between glycine and aspartic acid. This variant is not present in population databases (ExAC no frequency). This variant has not been reported in the literature in individuals affected with LRP2-related conditions. Algorithms developed to predict the effect of missense changes on protein structure and function are either unavailable or do not agree on the potential impact of this missense change (SIFT: "Tolerated"; PolyPhen-2: "Probably Damaging"; Align-GVGD: "Class C0"). In summary, the available evidence is currently insufficient to determine the role of this variant in disease. Therefore, it has been classified as a Variant of Uncertain Significance.

NM_004525.3(LRP2):c.2858G>A (p.Gly953Asp)

Gene: LRP2 (LDL receptor related protein 2; minus strand). Cytogenetic location: 2q31.1.
Variant type: single nucleotide variant.
Coding change: c.2858G>A on transcript NM_004525.3 (MANE Select); coding-DNA position 2858, G replaced by A.
Protein change: p.Gly953Asp; replaces glycine 953 with aspartic acid.
Molecular consequence: missense variant.
Genome position (GRCh38, 1-based): chr2:169,247,428, C>T on the plus strand (G>A on the coding strand, the complement: LRP2 is on the minus strand). VCF-style: chr2-169247428-C-T. GRCh37 (hg19) VCF-style: chr2-170103938-C-T.
Other names: c.2858G>A (NM_004525.2); short protein forms G953D.
Identifiers: ClinVar variation 1515464 (VCV001515464.6), dbSNP rs1690054326, ClinGen allele CA349154112.